The following is an entry in ClinVar:

ClinVar aggregate classification (germline): Conflicting classifications of pathogenicity. Review status: criteria provided, conflicting classifications (1 of 4 stars). 7 submissions from 7 submitters: Pathogenic (2); Uncertain significance (3); Benign (2). Last evaluated 2026-01-07.

Conditions:
Hereditary pancreatitis (PCTT). Also called: Hereditary chronic pancreatitis; PRSS1-Related Hereditary Pancreatitis. Identifiers: Orphanet 676, MedGen C0238339, MONDO:0008185, OMIM 167800.

Allele frequency attached by ClinVar (database versions not stated): ESP Exome Variant Server 0.00008; gnomAD 0.00024 and 0.00049; TOPMed 0.00028; gnomAD exomes 0.00114; ExAC 0.00115; 1000 Genomes Project 0.00120; 1000 Genomes Project 30x 0.00141.
gnomAD v4.1: 1,063 of 1,614,188 alleles (0.066%); highest among the groups gnomAD compares: South Asian, 0.79%; 6 homozygotes.

Submissions (7):

Labcorp Genetics (formerly Invitae), Labcorp
Classification: Benign for Hereditary pancreatitis. Last evaluated: 2026-01-07. Review status: criteria provided, single submitter. Criteria: Invitae Variant Classification Sherloc (09022015). Collection method: clinical testing. Allele origin: germline.

Victorian Clinical Genetics Services, Murdoch Childrens Research Institute
Classification: Pathogenic for Hereditary pancreatitis. Last evaluated: 2025-03-27. Review status: criteria provided, single submitter. Criteria: ACMG Guidelines, 2015. Collection method: clinical testing. Allele origin: germline. Affected: yes.
Comment: This variant is classified as Risk factor. Evidence in support of pathogenic classification: Missense variant predicted to be damaging by in silico tool(s) or highly conserved with a major amino acid change. Additional information: Variant is predicted to result in a missense amino acid change from valine to isoleucine; This variant is heterozygous; This gene is associated with autosomal dominant disease; Variant is present in gnomAD >=0.001 and <0.01 for a dominant condition (v4: 1051 heterozygote(s), 6 homozygote(s)); Alternative amino acid change(s) at the same position are present in gnomAD (Highest allele count: v4: 1 heterozygote(s), 1 homozygote(s)); Previous reports of pathogenicity for this variant are conflicting. This variant has been classified twice as benign, twice as a VUS and once as pathogenic by clinical laboratories in ClinVar. It has also been reported as a moderate/low risk factor for chronic pancreatitis (PMID: 32948427, 35594281); Functional evidence for this variant is inconclusive. This variant is reported to lead to moderately reduced protein secretion and activity, and does not lead to complete loss of function (PMID: 18059268, 22942235); No comparable missense variants have previous evidence for pathogenicity; Variant is located in the annotated trypsin domain (DECIPHER); Loss of function is a known mechanism of disease in this gene and is associated with susceptibility to chronic pancreatitis (MIM#167800); Inheritance information for this variant is not currently available in this individual.

ARUP Laboratories, Molecular Genetics and Genomics, ARUP Laboratories
Classification: Uncertain significance for Hereditary pancreatitis. Last evaluated: 2024-11-13. Review status: criteria provided, single submitter. Criteria: ARUP Molecular Germline Variant Investigation Process 2024. Collection method: clinical testing. Allele origin: germline.
Comment: The CTRC c.703G>A; p.Val235Ile variant (rs140993290) is reported in the medical literature in several individuals with chronic pancreatitis, with several carrying additional pathogenic variants (Hirai 2023, Koziel 2015, Masson 2008, Paliwal 2013, Rosendahl 2008, Rosenhdahl 2014, Tomaiuolo 2015, Wang 2013, Werlin 2015, Zou 2018). This variant is reported in the ClinVar database (Variation ID: 292914), and is found in the general population with an overall allele frequency of 0.10% (293/282822 alleles, including 3 homozygotes) in the Genome Aggregation Database. Computational analyses predict that this variant is deleterious (REVEL: 0.797). Additionally, this variant is reported to cause reduced protein activity (Beer 2013, Rosendahl 2008). Although there are indications this variant may be pathogenic, the evidence is conflicting, so the variant is classified as uncertain significance. REFERENCES Beer S et al. Comprehensive functional analysis of chymotrypsin C (CTRC) variants reveals distinct loss-of-function mechanisms associated with pancreatitis risk. Gut. 2013 Nov;62(11):1616-24. PMID: 22942235. Hirai S et al. The Coexistence of TRPV6 Variants With Other Pancreatitis-Associated Genes Affects Pediatric-Onset Pancreatitis. J Pediatr Gastroenterol Nutr. 2023 Apr 1;76(4):483-488. PMID: 36599151. Koziel D et al. Genetic mutations in SPINK1, CFTR, CTRC genes in acute pancreatitis. BMC Gastroenterol. 2015 Jun 23;15:70. PMID: 26100556. Masson E et al. Association of rare chymotrypsinogen C (CTRC) gene variations in patients with idiopathic chronic pancreatitis. Hum Genet. 2008 Feb;123(1):83-91. PMID: 18172691. Paliwal S et al. Comprehensive screening of chymotrypsin C (CTRC) gene in tropical calcific pancreatitis identifies novel variants. Gut. 2013 Nov;62(11):1602-6. PMID: 22580415. Rosendahl J et al. Chymotrypsin C (CTRC) variants that diminish activity or secretion are associated with chronic pancreatitis. Nat Genet. 2008 Jan;40(1):78-82. PMID: 22427236. Rosendahl J et al. CFTR, SPINK1, CTRC and PRSS1 variants in chronic pancreatitis: is the role of mutated CFTR overestimated? Gut. 2013 Apr;62(4):582-92. PMID: 22427236. Tomaiuolo AC et al. Relationship between CFTR and CTRC variants and the clinical phenotype in late-onset cystic fibrosis disease with chronic pancreatitis. J Mol Diagn. 2015 Mar;17(2):171-8. PMID: 25636364. Wang W et al. Comprehensive screening for PRSS1, SPINK1, CFTR, CTRC and CLDN2 gene mutations in Chinese paediatric patients with idiopathic chronic pancreatitis: a cohort study. BMJ Open. 2013 Sep 3;3(9):e003150. PMID: 24002981. Werlin S et al. Genetic and electrophysiological characteristics of recurrent acute pancreatitis. J Pediatr Gastroenterol Nutr. 2015 May;60(5):675-9. PMID: 25383785. Zou WB et al. SPINK1, PRSS1, CTRC, and CFTR Genotypes Influence Disease Onset and Clinical Outcomes in Chronic Pancreatitis. Clin Transl Gastroenterol. 2018 Nov 12;9(11):204. PMID: 30420730.

Blueprint Genetics
Classification: Uncertain significance. Last evaluated: 2024-10-15. Review status: criteria provided, single submitter. Criteria: ACMG Guidelines, 2015. Collection method: clinical testing. Allele origin: germline.

Ambry Genetics
Classification: Pathogenic for Hereditary pancreatitis. Last evaluated: 2024-04-19. Review status: criteria provided, single submitter. Criteria: Ambry Variant Classification Scheme 2023. Collection method: clinical testing. Allele origin: germline.
Comment: The p.V235I pathogenic mutation (also known as c.703G>A), located in coding exon 7 of the CTRC gene, results from a G to A substitution at nucleotide position 703. The valine at codon 235 is replaced by isoleucine, an amino acid with highly similar properties. This alteration has been observed in multiple individuals with pancreatitis, some of which had additional pathogenic variants in pancreatitis-associated genes (Koziel D et al. BMC Gastroenterol, 2015 Jun;15:70; Werlin S et al. J Pediatr Gastroenterol Nutr, 2015 May;60:675-9; Gaitch N et al. Pancreatology 2016 Apr;16:515-22; Sofia VM et al. Mol Med, 2018 07;24:38). Multiple studies have examined association between this variant and pancreatitis (Masson E et al. Hum Genet, 2008 Feb;123:83-91; Rosendahl J et al. Nat. Genet., 2008 Jan;40:78-82; Derikx MH et al. Eur J Gastroenterol Hepatol, 2009 Aug;21:889-94; Paliwal S et al. Gut, 2013 Nov;62:1602-6; Beer S et al. Gut, 2013 Nov;62:1616-24; Zou WB et al. Clin Transl Gastroenterol, 2018 11;9:204; Nabi Z et al. Dig Dis Sci, 2020 10;65:3000-3005). In one study, p.V235I was significantly associated with pancreatitis (Paliwal S et al. Gut, 2013 Nov;62:1602-6). Furthermore, in vitro studies showed that this variant does not result in complete loss of function, but slightly reduces CTRC secretion and activity (Rosendahl J et al. Nat. Genet., 2008 Jan;40:78-82; Beer S et al. Gut, 2013 Nov;62:1616-24). This amino acid position is well conserved in available vertebrate species. In addition, this alteration is predicted to be deleterious by in silico analysis. Based on the supporting evidence, this alteration is interpreted as a disease-causing mutation.

Neuberg Centre For Genomic Medicine, NCGM
Classification: Uncertain significance for Hereditary pancreatitis. Last evaluated: 2023-06-22. Review status: criteria provided, single submitter. Criteria: ACMG Guidelines, 2015. Collection method: clinical testing. Allele origin: germline. Inheritance: Autosomal dominant inheritance. Affected: yes.
Comment: The missense c.703G>A (p.Val235Ile) variant in CTRC gene has been reported previously as a risk factor in individuals affected with Pancreatitis (Koziel et al. 2015; Nabi et al. 2020; Girodon et al. 2020). Experimental studies show that this variant showed CTRC secretion close to the wild-type levels (~86% of wild type), is resistant to trypsin degradation, and confers a moderate-to-low risk towards pancreatitis (Beer et al. 2013). The p.Val235Ile variant is reported with an allele frequency of 0.11% (287/251446 alleles, including 3 homozygotes) in the gnomAD exomes database. This variant has been submitted to the ClinVar database as Benign / Pathogenic / Uncertain Significance. The reference amino acid at this position in CTRC is predicted as conserved by GERP++ and PhyloP across 100 vertebrates. The amino acid Val at position 235 is changed to a Ile changing protein sequence and it might alter its composition and physico-chemical properties. For these reasons, this variant has been classified as a Variant of Uncertain Significance (VUS).

Illumina Laboratory Services, Illumina
Classification: Benign for Hereditary pancreatitis. Last evaluated: 2018-03-06. Review status: criteria provided, single submitter. Criteria: ICSL Variant Classification Criteria 13 December 2019. Collection method: clinical testing. Allele origin: germline.
Comment: This variant was observed in the ICSL laboratory as part of a predisposition screen in an ostensibly healthy population. It had not been previously curated by ICSL or reported in the Human Gene Mutation Database (HGMD: prior to June 1st, 2018), and was therefore a candidate for classification through an automated scoring system. Utilizing variant allele frequency, disease prevalence and penetrance estimates, and inheritance mode, an automated score was calculated to assess if this variant is too frequent to cause the disease. Based on the score and internal cut-off values, a variant classified as benign is not then subjected to further curation. The score for this variant resulted in a classification of benign for this disease.

Literature cited by the submitters: PubMed 35594281 (cited by Victorian Clinical Genetics Services, Murdoch Childrens Research Institute); PubMed 18059268 (cited by Victorian Clinical Genetics Services, Murdoch Childrens Research Institute and Ambry Genetics); PubMed 32948427 (cited by Victorian Clinical Genetics Services, Murdoch Childrens Research Institute); PubMed 22942235 (cited by Victorian Clinical Genetics Services, Murdoch Childrens Research Institute and Ambry Genetics); PubMed 18172691 (cited by Ambry Genetics); PubMed 19404200 (cited by Ambry Genetics); PubMed 22427236 (cited by Ambry Genetics); PubMed 22580415 (cited by Ambry Genetics); PubMed 24002981 (cited by Ambry Genetics); PubMed 25383785 (cited by Ambry Genetics); PubMed 25636364 (cited by Ambry Genetics); PubMed 26100556 (cited by Ambry Genetics); PubMed 27086061 (cited by Ambry Genetics); PubMed 30134826 (cited by Ambry Genetics); PubMed 30420730 (cited by Ambry Genetics); PubMed 31900721 (cited by Ambry Genetics).

NM_007272.3(CTRC):c.703G>A (p.Val235Ile)

Gene: CTRC (chymotrypsin C; plus strand). Cytogenetic location: 1p36.21.
Variant type: single nucleotide variant.
Coding change: c.703G>A on transcript NM_007272.3 (MANE Select); coding-DNA position 703, G replaced by A.
Protein change: p.Val235Ile; replaces valine 235 with isoleucine.
Molecular consequence: missense variant.
Genome position (GRCh38, 1-based): chr1:15,445,660, G>A. VCF-style: chr1-15445660-G-A. GRCh37 (hg19) VCF-style: chr1-15772155-G-A.
Other names: short protein forms V235I.
Identifiers: ClinVar variation 292914 (VCV000292914.35), dbSNP rs140993290, ClinGen allele CA613447.
Genomic context (GRCh38, chr1:15,445,660, plus strand): 5'-GACTCCGGTGGCCCACTGAACTGCCAGTTGGAGAACGGTTCCTGGGAGGTGTTTGGCATC[G>A]TCAGCTTTGGCTCCCGGCGGGGCTGCAACACCCGCAAGAAGCCGGTAGTCTACACCCGGG-3'
Protein context (NP_009203.2, residues 225-245): ENGSWEVFGI[Val235Ile]SFGSRRGCNT